The following is an entry in ClinVar:

NM_033026.6(PCLO):c.7438A>G (p.Thr2480Ala)

Gene: PCLO (piccolo presynaptic cytomatrix protein; minus strand). Cytogenetic location: 7q21.11.
Variant type: single nucleotide variant.
Coding change: c.7438A>G on transcript NM_033026.6 (MANE Select); coding-DNA position 7438, A replaced by G.
Protein change: p.Thr2480Ala; replaces threonine 2480 with alanine.
Molecular consequence: missense variant.
Genome position (GRCh38, 1-based): chr7:82,953,515, T>C on the plus strand (A>G on the coding strand, the complement: PCLO is on the minus strand). VCF-style: chr7-82953515-T-C. GRCh37 (hg19) VCF-style: chr7-82582831-T-C.
Other names: c.7438A>G, p.Thr2480Ala (NM_014510.3); short protein forms T2480A.
Identifiers: ClinVar variation 2612207 (VCV002612207.4), dbSNP rs2535695165, ClinGen allele CA367917011.
Genomic context (GRCh38, chr7:82,953,515, plus strand): 5'-TAAATACAAGTCCAGATGGAATTGAAGATGGCTTAGGAGGAACAGGAGGAGGTGCAGTAG[T>C]ACATATTCTTGTAACAGGTAATCCATTACTTCTCAGAACAGCTGTGGTCTCTAGAGTAGT-3'
Protein context (NP_149015.2, residues 2470-2490): SNGLPVTRIC[Thr2480Ala]TAPPPVPPKP

ClinVar aggregate classification (germline): Uncertain significance. Review status: criteria provided, multiple submitters, no conflicts (2 of 4 stars). 2 submissions from 2 submitters: Uncertain significance (2). Last evaluated 2024-02-22.

Conditions:
Inborn genetic diseases. Identifiers: MedGen C0950123, MeSH D030342.

Submissions (2):

Labcorp Genetics (formerly Invitae), Labcorp
Classification: Uncertain significance. Last evaluated: 2024-02-22. Review status: criteria provided, single submitter. Criteria: Invitae Variant Classification Sherloc (09022015). Collection method: clinical testing. Allele origin: germline.
Comment: This sequence change replaces threonine, which is neutral and polar, with alanine, which is neutral and non-polar, at codon 2480 of the PCLO protein (p.Thr2480Ala). This variant is not present in population databases (gnomAD no frequency). This variant has not been reported in the literature in individuals affected with PCLO-related conditions. ClinVar contains an entry for this variant (Variation ID: 2612207). Algorithms developed to predict the effect of missense changes on protein structure and function output the following: SIFT: "Not Available"; PolyPhen-2: "Not Available"; Align-GVGD: "Not Available". The alanine amino acid residue is found in multiple mammalian species, which suggests that this missense change does not adversely affect protein function. In summary, the available evidence is currently insufficient to determine the role of this variant in disease. Therefore, it has been classified as a Variant of Uncertain Significance.

Ambry Genetics
Classification: Uncertain significance for Inborn genetic diseases. Last evaluated: 2023-07-17. Review status: criteria provided, single submitter. Criteria: Ambry Variant Classification Scheme 2023. Collection method: clinical testing. Allele origin: germline.